The following is an entry in ClinVar:

ClinVar aggregate classification (germline): Uncertain significance (1 of 4 stars; one submission).

Submission:

Women's Health and Genetics/Laboratory Corporation of America, LabCorp
Classification: Uncertain significance. Last evaluated: 2024-08-06. Review status: criteria provided, single submitter. Criteria: LabCorp Variant Classification Summary - May 2015. Collection method: clinical testing. Allele origin: germline.
Comment: Variant summary: MUT c.422C>G (p.Ala141Gly) results in a non-conservative amino acid change located in the Methylmalonyl-CoA mutase, alpha chain, catalytic domain (IPR006098) of the encoded protein sequence. Five of five in-silico tools predict a damaging effect of the variant on protein function. The variant was absent in 241918 control chromosomes. The available data on variant occurrences in the general population are insufficient to allow any conclusion about variant significance. To our knowledge, no occurrence of c.422C>G in individuals affected with Methylmalonic Acidemia and no experimental evidence demonstrating its impact on protein function have been reported. No submitters have cited clinical-significance assessments for this variant to ClinVar. Based on the evidence outlined above, the variant was classified as uncertain significance.

NM_000255.4(MMUT):c.422C>G (p.Ala141Gly)

Gene: MMUT (methylmalonyl-CoA mutase; minus strand). Cytogenetic location: 6p12.3.
Variant type: single nucleotide variant.
Coding change: c.422C>G on transcript NM_000255.4 (MANE Select); coding-DNA position 422, C replaced by G.
Protein change: p.Ala141Gly; replaces alanine 141 with glycine.
Molecular consequence: missense variant.
Genome position (GRCh38, 1-based): chr6:49,458,022, G>C on the plus strand (C>G on the coding strand, the complement: MMUT is on the minus strand). VCF-style: chr6-49458022-G-C. GRCh37 (hg19) VCF-style: chr6-49425735-G-C.
Other names: short protein forms A141G.
Identifiers: ClinVar variation 3366485 (VCV003366485.1).